The following is an entry in ClinVar:

ClinVar aggregate classification (germline): Uncertain significance (1 of 4 stars; one submission).

Allele frequency attached by ClinVar (database versions not stated): TOPMed below 0.00001; gnomAD 0.00001.
gnomAD v4.1: 1 of 1,613,868 alleles (0.000062%); highest among the groups gnomAD compares: Non-Finnish European, 0.000085%; no homozygotes.

Submission:

Labcorp Genetics (formerly Invitae), Labcorp
Classification: Uncertain significance. Last evaluated: 2023-10-17. Review status: criteria provided, single submitter. Criteria: Invitae Variant Classification Sherloc (09022015). Collection method: clinical testing. Allele origin: germline.
Comment: This sequence change replaces isoleucine, which is neutral and non-polar, with valine, which is neutral and non-polar, at codon 735 of the OPA1 protein (p.Ile735Val). This variant is not present in population databases (gnomAD no frequency). This variant has not been reported in the literature in individuals affected with OPA1-related conditions. Advanced modeling of protein sequence and biophysical properties (such as structural, functional, and spatial information, amino acid conservation, physicochemical variation, residue mobility, and thermodynamic stability) performed at Invitae indicates that this missense variant is not expected to disrupt OPA1 protein function. In summary, the available evidence is currently insufficient to determine the role of this variant in disease. Therefore, it has been classified as a Variant of Uncertain Significance.

NM_130837.3(OPA1):c.2368A>G (p.Ile790Val)

Gene: OPA1 (OPA1 mitochondrial dynamin like GTPase; plus strand). Cytogenetic location: 3q29.
Variant type: single nucleotide variant.
Coding change: c.2368A>G on transcript NM_130837.3 (MANE Select); coding-DNA position 2368, A replaced by G.
Protein change: p.Ile790Val; replaces isoleucine 790 with valine.
Molecular consequence: missense variant.
Genome position (GRCh38, 1-based): chr3:193,658,923, A>G. VCF-style: chr3-193658923-A-G. GRCh37 (hg19) VCF-style: chr3-193376712-A-G.
Other names: c.2260A>G, p.Ile754Val (NM_130835.3); c.2314A>G, p.Ile772Val (NM_130836.3); c.1834A>G, p.Ile612Val (NM_001354663.2); c.1831A>G, p.Ile611Val (NM_001354664.2); c.2203A>G, p.Ile735Val (NM_015560.3); c.2095A>G, p.Ile699Val (NM_130831.3); c.2149A>G, p.Ile717Val (NM_130832.3); c.2206A>G, p.Ile736Val (NM_130833.3); and 1 more; short protein forms I735V, I736V, I772V, I790V, I611V, I612V, I753V, I754V.
Identifiers: ClinVar variation 2827829 (VCV002827829.3), dbSNP rs1223646365, ClinGen allele CA355791808.